The following is an entry in ClinVar:

NM_005765.3(ATP6AP2):c.212G>A (p.Arg71His)

Gene: ATP6AP2 (ATPase H+ transporting accessory protein 2; plus strand). Cytogenetic location: Xp11.4.
Variant type: single nucleotide variant.
Coding change: c.212G>A on transcript NM_005765.3 (MANE Select); coding-DNA position 212, G replaced by A.
Protein change: p.Arg71His; replaces arginine 71 with histidine.
Molecular consequence: missense variant.
Genome position (GRCh38, 1-based): chrX:40,591,277, G>A. VCF-style: chrX-40591277-G-A. GRCh37 (hg19) VCF-style: chrX-40450529-G-A.
Other names: short protein forms R71H.
Identifiers: ClinVar variation 389602 (VCV000389602.4), dbSNP rs1057523485, ClinGen allele CA16608920.

ClinVar aggregate classification (germline): Uncertain significance. Review status: criteria provided, multiple submitters, no conflicts (2 of 4 stars). 3 submissions from 3 submitters: Uncertain significance (2). 1 of the submissions does not count toward it. Last evaluated 2024-10-16.

Conditions:
Congenital disorder of glycosylation, type IIr. Also called: CDG IIr. Identifiers: MedGen C5393313, MONDO:0026765, OMIM 301045.

Submissions (3):

Blueprint Genetics
Classification: Uncertain significance. Last evaluated: 2024-10-16. Review status: criteria provided, single submitter. Criteria: ACMG Guidelines, 2015. Collection method: clinical testing. Allele origin: germline.

GeneDx
Classification: Uncertain significance. Last evaluated: 2016-10-10. Review status: criteria provided, single submitter. Criteria: GeneDx Variant Classification (06012015). Collection method: clinical testing. Allele origin: germline. Affected: yes.
Comment: The R71H variant in the ATP6AP2 gene has not been reported previously as a pathogenic variant, nor as a benign variant, to our knowledge. The R71H variant was not observed in approximately 6500 individuals of European and African American ancestry in the NHLBI Exome Sequencing Project, indicating it is not a common benign variant in these populations. This substitution occurs at a position that is conserved across species. In silico analysis predicts this variant is probably damaging to the protein structure/function. However, the R71H variant is a conservative amino acid substitution, which is not likely to impact secondary protein structure as these residues share similar properties. Therefore, we interpret R71H as a variant of uncertain significance,

OMIM
Classification: Pathogenic for CONGENITAL DISORDER OF GLYCOSYLATION, TYPE IIr. Last evaluated: 2020-04-21. Review status: no assertion criteria provided. Collection method: literature only. Allele origin: germline. Not counted in ClinVar's aggregate classification.

Literature cited by the submitters: PubMed 29127204 (cited by OMIM).